The following is an entry in ClinVar:

NM_001351132.2(PEX5):c.1778G>C (p.Arg593Pro)

Gene: PEX5 (peroxisomal biogenesis factor 5; plus strand). Cytogenetic location: 12p13.31.
Variant type: single nucleotide variant.
Coding change: c.1778G>C on transcript NM_001351132.2 (MANE Select); coding-DNA position 1778, G replaced by C.
Protein change: p.Arg593Pro; replaces arginine 593 with proline.
Molecular consequence: missense variant.
Genome position (GRCh38, 1-based): chr12:7,210,081, G>C. VCF-style: chr12-7210081-G-C. GRCh37 (hg19) VCF-style: chr12-7362677-G-C.
Other names: c.1778G>C, p.Arg593Pro (NM_001131026.2, NM_001300789.3, NM_001131025.2 and 4 more transcripts); c.1667G>C, p.Arg556Pro (NM_001351124.3, NM_001351126.2, NM_001351127.2 and 7 more transcripts); c.1754G>C, p.Arg585Pro (NM_000319.5); c.1823G>C, p.Arg608Pro (NM_001131023.2); c.1712G>C, p.Arg571Pro (NM_001351135.3, NM_001351138.2); c.1769G>C, p.Arg590Pro (NM_001351136.2); c.1643G>C, p.Arg548Pro (NM_001351139.2, NM_001351140.2, NM_001374649.2); short protein forms R548P, R556P, R571P, R585P, R590P, R593P, R608P.
Identifiers: ClinVar variation 1716852 (VCV001716852.3), dbSNP rs754922299, ClinGen allele CA383739610.
Genomic context (GRCh38, chr12:7,210,081, plus strand): 5'-GGGAGGCTGTGGAGCACTTTCTGGAGGCCCTGAACATGCAGAGGAAAAGCCGGGGCCCCC[G>C]GGGTGAAGGAGGTGCCATGTCGGAGAACATCTGGAGCACCCTGCGTTTGGCATTGTCTAT-3'
Protein context (NP_001338061.1, residues 583-603): LNMQRKSRGP[Arg593Pro]GEGGAMSENI

ClinVar aggregate classification (germline): Uncertain significance (1 of 4 stars; one submission).

Conditions:
Peroxisome biogenesis disorder 2B (PBD2B). Identifiers: Orphanet 44, MedGen C3550234, MONDO:0008736, OMIM 202370.

Submission:

Labcorp Genetics (formerly Invitae), Labcorp
Classification: Uncertain significance for Peroxisome biogenesis disorder 2B. Last evaluated: 2024-01-22. Review status: criteria provided, single submitter. Criteria: Invitae Variant Classification Sherloc (09022015). Collection method: clinical testing. Allele origin: germline.
Comment: This sequence change replaces arginine, which is basic and polar, with proline, which is neutral and non-polar, at codon 593 of the PEX5 protein (p.Arg593Pro). This variant is not present in population databases (gnomAD no frequency). This variant has not been reported in the literature in individuals affected with PEX5-related conditions. ClinVar contains an entry for this variant (Variation ID: 1716852). Advanced modeling of protein sequence and biophysical properties (such as structural, functional, and spatial information, amino acid conservation, physicochemical variation, residue mobility, and thermodynamic stability) performed at Invitae indicates that this missense variant is not expected to disrupt PEX5 protein function with a negative predictive value of 80%. In summary, the available evidence is currently insufficient to determine the role of this variant in disease. Therefore, it has been classified as a Variant of Uncertain Significance.